The following is an entry in ClinVar:

ClinVar aggregate classification (germline): Uncertain significance. Review status: criteria provided, multiple submitters, no conflicts (2 of 4 stars). 4 submissions from 4 submitters: Uncertain significance (4). Last evaluated 2025-12-28.

Conditions:
Hereditary cancer-predisposing syndrome. Also called: Hereditary neoplastic syndrome; Neoplastic Syndromes, Hereditary; Tumor predisposition; Hereditary Cancer Syndrome. Identifiers: Orphanet 140162, MedGen C0027672, MeSH D009386, MONDO:0015356.
Colorectal cancer, susceptibility to, 12 (CRCS12). Also called: COLORECTAL CANCER, SUSCEPTIBILITY TO, ON CHROMOSOME 12q24. Identifiers: Orphanet 220460, MedGen C3554460, MONDO:0014038, OMIM 615083.

Allele frequency attached by ClinVar (database versions not stated): TOPMed below 0.00001.
gnomAD v4.1: 11 of 1,614,162 alleles (0.00068%); highest among the groups gnomAD compares: African/African-American, 0.0013%; no homozygotes.

Submissions (4):

Labcorp Genetics (formerly Invitae), Labcorp
Classification: Uncertain significance. Last evaluated: 2025-12-28. Review status: criteria provided, single submitter. Criteria: Invitae Variant Classification Sherloc (09022015). Collection method: clinical testing. Allele origin: germline.
Comment: This sequence change replaces glutamic acid, which is acidic and polar, with lysine, which is basic and polar, at codon 386 of the POLE protein (p.Glu386Lys). This variant is not present in population databases (gnomAD no frequency). This variant has not been reported in the literature in individuals affected with POLE-related conditions. ClinVar contains an entry for this variant (Variation ID: 423336). Invitae Evidence Modeling of protein sequence and biophysical properties (such as structural, functional, and spatial information, amino acid conservation, physicochemical variation, residue mobility, and thermodynamic stability) indicates that this missense variant is not expected to disrupt POLE protein function with a negative predictive value of 80%. In summary, the available evidence is currently insufficient to determine the role of this variant in disease. Therefore, it has been classified as a Variant of Uncertain Significance.

Ambry Genetics
Classification: Uncertain significance for Hereditary cancer-predisposing syndrome. Last evaluated: 2025-08-22. Review status: criteria provided, single submitter. Criteria: Ambry Variant Classification Scheme 2023. Collection method: clinical testing. Allele origin: germline.
Comment: The p.E386K variant (also known as c.1156G>A), located in coding exon 12 of the POLE gene, results from a G to A substitution at nucleotide position 1156. The glutamic acid at codon 386 is replaced by lysine, an amino acid with similar properties. This amino acid position is highly conserved in available vertebrate species. In addition, the in silico prediction for this alteration is inconclusive. Based on the available evidence, the clinical significance of this variant remains unclear.

Baylor Genetics
Classification: Uncertain significance for Colorectal cancer, susceptibility to, 12. Last evaluated: 2023-10-10. Review status: criteria provided, single submitter. Criteria: ACMG Guidelines, 2015. Collection method: clinical testing. Allele origin: unknown.

GeneDx
Classification: Uncertain significance. Last evaluated: 2017-02-03. Review status: criteria provided, single submitter. Criteria: GeneDx Variant Classification (06012015). Collection method: clinical testing. Allele origin: germline. Affected: yes.
Comment: This variant is denoted POLE c.1156G>A at the cDNA level, p.Glu386Lys (E386K) at the protein level, and results in the change of a Glutamic Acid to a Lysine (GAG>AAG). This variant has not, to our knowledge, been published in the literature as either a pathogenic germline variant or a benign polymorphism. However, it has been reported as a somatic variant in malignant melanoma (COSMIC database). POLE Glu386Lys was not observed in approximately 6,500 individuals of European and African American ancestry in the NHLBI Exome Sequencing Project, suggesting it is not a common benign variant in these populations. Since Glutamic Acid and Lysine differ in polarity, charge, size or other properties, this is considered a non-conservative amino acid substitution. POLE Glu386Lys occurs at a position that is conserved across species and is not located in a known functional domain (Tahirov 2009, Preston 2010). In silico analyses predict that this variant is probably damaging to protein structure and function. Based on currently available evidence, it is unclear whether POLE Glu386Lys is a pathogenic or benign variant. We consider it to be a variant of uncertain significance.

NM_006231.4(POLE):c.1156G>A (p.Glu386Lys)

Gene: POLE (DNA polymerase epsilon, catalytic subunit; minus strand). Cytogenetic location: 12q24.33.
Variant type: single nucleotide variant.
Coding change: c.1156G>A on transcript NM_006231.4 (MANE Select); coding-DNA position 1156, G replaced by A.
Protein change: p.Glu386Lys; replaces glutamic acid 386 with lysine.
Molecular consequence: missense variant.
Genome position (GRCh38, 1-based): chr12:132,675,468, C>T on the plus strand (G>A on the coding strand, the complement: POLE is on the minus strand). VCF-style: chr12-132675468-C-T. GRCh37 (hg19) VCF-style: chr12-133252054-C-T.
Other names: short protein forms E386K.
Identifiers: ClinVar variation 423336 (VCV000423336.15), dbSNP rs893340262, ClinGen allele CA16619476.